The following is an entry in ClinVar:

ClinVar aggregate classification (germline): Conflicting classifications of pathogenicity. Review status: criteria provided, conflicting classifications (1 of 4 stars). 2 submissions from 2 submitters: Uncertain significance (1); Likely benign (1). Last evaluated 2025-12-19.

Allele frequency attached by ClinVar (database versions not stated): TOPMed below 0.00001; ExAC 0.00003; gnomAD exomes 0.00001 and below 0.00001.
gnomAD v4.1: 10 of 1,585,350 alleles (0.00063%); highest among the groups gnomAD compares: Admixed American, 0.0018%; no homozygotes.

Submissions (2):

Labcorp Genetics (formerly Invitae), Labcorp
Classification: Likely benign. Last evaluated: 2025-12-19. Review status: criteria provided, single submitter. Criteria: Invitae Variant Classification Sherloc (09022015). Collection method: clinical testing. Allele origin: germline.

Laboratorio de Genetica e Diagnostico Molecular, Hospital Israelita Albert Einstein
Classification: Uncertain significance. Last evaluated: 2021-09-08. Review status: criteria provided, single submitter. Criteria: ACMG Guidelines, 2015. Collection method: clinical testing. Allele origin: germline. Affected: yes.
Comment: ACMG classification criteria: PM2, BP7

NM_001170629.2(CHD8):c.7365G>A (p.Gln2455=)

Gene: CHD8 (chromodomain helicase DNA binding protein 8; minus strand). Cytogenetic location: 14q11.2.
Variant type: single nucleotide variant.
Coding change: c.7365G>A on transcript NM_001170629.2 (MANE Select); coding-DNA position 7365, G replaced by A.
Protein change: p.Gln2455=; no amino-acid change (glutamine 2455 retained).
Molecular consequence: synonymous variant.
Genome position (GRCh38, 1-based): chr14:21,385,994, C>T on the plus strand (G>A on the coding strand, the complement: CHD8 is on the minus strand). VCF-style: chr14-21385994-C-T. GRCh37 (hg19) VCF-style: chr14-21854153-C-T.
Other names: c.6528G>A, p.Gln2176= (NM_020920.4).
Identifiers: ClinVar variation 1690435 (VCV001690435.7), dbSNP rs766944646, ClinGen allele CA7090550.